The following is an entry in ClinVar:

NM_004006.3(DMD):c.10212C>G (p.Asp3404Glu)

Gene: DMD (dystrophin; minus strand). Cytogenetic location: Xp21.2.
Variant type: single nucleotide variant.
Coding change: c.10212C>G on transcript NM_004006.3 (MANE Select); coding-DNA position 10212, C replaced by G.
Protein change: p.Asp3404Glu; replaces aspartic acid 3404 with glutamic acid.
Molecular consequence: missense variant.
Genome position (GRCh38, 1-based): chrX:31,178,680, G>C on the plus strand (C>G on the coding strand, the complement: DMD is on the minus strand). VCF-style: chrX-31178680-G-C. GRCh37 (hg19) VCF-style: chrX-31196797-G-C.
Other names: c.10188C>G, p.Asp3396Glu (NM_000109.4); c.10200C>G, p.Asp3400Glu (NM_004009.3); c.9843C>G, p.Asp3281Glu (NM_004010.3); c.6189C>G, p.Asp2063Glu (NM_004011.4); c.6180C>G, p.Asp2060Glu (NM_004012.4); c.2832C>G, p.Asp944Glu (NM_004013.3, NM_004020.4, NM_004021.3 and 2 more transcripts); c.2025C>G, p.Asp675Glu (NM_004014.3); c.1008C>G, p.Asp336Glu (NM_004015.3, NM_004016.3, NM_004017.3 and 2 more transcripts); short protein forms D3281E, D336E, D3396E, D2060E, D2063E, D3400E, D3404E, D675E.
Identifiers: ClinVar variation 855727 (VCV000855727.13), dbSNP rs367657320, ClinGen allele CA10377677.

ClinVar aggregate classification (germline): Conflicting classifications of pathogenicity. Review status: criteria provided, conflicting classifications (1 of 4 stars). 3 submissions from 3 submitters: Uncertain significance (1); Likely benign (1). 1 of the submissions does not count toward it. Last evaluated 2024-12-08.

Conditions:
Duchenne muscular dystrophy (DMD). Also called: Duchenne Muscular Dystrophy (DMD); MUSCULAR DYSTROPHY, PSEUDOHYPERTROPHIC PROGRESSIVE, DUCHENNE TYPE. Identifiers: Orphanet 98896, MedGen C0013264, MONDO:0010679, OMIM 310200.
Dystrophin deficiency.
Becker muscular dystrophy (BMD). Also called: MUSCULAR DYSTROPHY, PSEUDOHYPERTROPHIC PROGRESSIVE, BECKER TYPE; Becker Muscular Dystrophy (BMD). Identifiers: Orphanet 98895, MedGen C0917713, MONDO:0010311, OMIM 300376.
Cardiomyopathy (CMYO). Also called: Cardiomyopathies. Identifiers: Orphanet 167848, MedGen C0878544, MONDO:0004994, HP:0001638. Inheritance: Various modes of inheritance.
Cardiovascular phenotype. Identifiers: MedGen CN230736.

Allele frequency attached by ClinVar (database versions not stated): ExAC 0.00001; gnomAD exomes 0.00001 and below 0.00001; gnomAD 0.00005; TOPMed 0.00006; ESP Exome Variant Server 0.00009.
gnomAD v4.1: 7 of 1,205,572 alleles (0.00058%); highest among the groups gnomAD compares: African/African-American, 0.012%; no homozygotes.

Submissions (3):

Labcorp Genetics (formerly Invitae), Labcorp
Classification: Likely benign for Duchenne muscular dystrophy. Last evaluated: 2024-12-08. Review status: criteria provided, single submitter. Criteria: Invitae Variant Classification Sherloc (09022015). Collection method: clinical testing. Allele origin: germline.

Ambry Genetics
Classification: Uncertain significance for Cardiovascular phenotype. Last evaluated: 2024-07-24. Review status: criteria provided, single submitter. Criteria: Ambry Variant Classification Scheme 2023. Collection method: clinical testing. Allele origin: germline.
Comment: The p.D3404E variant (also known as c.10212C>G), located in coding exon 70 of the DMD gene, results from a C to G substitution at nucleotide position 10212. The aspartic acid at codon 3404 is replaced by glutamic acid, an amino acid with highly similar properties. Based on data from gnomAD, the G allele has an overall frequency of 0.001% (3/204104) total alleles studied, with 2 hemizygotes observed. The highest observed frequency was 0.01% (3/19045) of African/African-American alleles. This amino acid position is highly conserved in available vertebrate species. In addition, this alteration is predicted to be deleterious by in silico analysis. Based on the available evidence, the clinical significance of this variant remains unclear.

Natera, Inc.
Classification: Uncertain significance for Becker muscular dystrophy; Cardiomyopathy; Duchenne muscular dystrophy; Dystrophin deficiency. Last evaluated: 2020-06-16. Review status: no assertion criteria provided. Collection method: clinical testing. Allele origin: germline. Not counted in ClinVar's aggregate classification.